The following is an entry in ClinVar:

NM_003632.3(CNTNAP1):c.1330T>C (p.Trp444Arg)

Gene: CNTNAP1 (contactin associated protein 1; plus strand). Cytogenetic location: 17q21.2.
Variant type: single nucleotide variant.
Coding change: c.1330T>C on transcript NM_003632.3 (MANE Select); coding-DNA position 1330, T replaced by C.
Protein change: p.Trp444Arg; replaces tryptophan 444 with arginine.
Molecular consequence: missense variant.
Genome position (GRCh38, 1-based): chr17:42,688,485, T>C. VCF-style: chr17-42688485-T-C. GRCh37 (hg19) VCF-style: chr17-40840503-T-C.
Other names: short protein forms W444R.
Identifiers: ClinVar variation 3253174 (VCV003253174.1), dbSNP rs2543793725.

ClinVar aggregate classification (germline): Uncertain significance (1 of 4 stars; one submission).

Submission:

GeneDx
Classification: Uncertain significance. Last evaluated: 2023-06-09. Review status: criteria provided, single submitter. Criteria: GeneDx Variant Classification Process June 2021. Collection method: clinical testing. Allele origin: germline. Affected: yes.
Comment: Not observed at significant frequency in large population cohorts (gnomAD); In silico analysis supports that this missense variant has a deleterious effect on protein structure/function; Has not been previously published as pathogenic or benign to our knowledge